The following is an entry in ClinVar:

NM_000096.4(CP):c.1868T>C (p.Met623Thr)

Gene: CP (ceruloplasmin; minus strand). Cytogenetic location: 3q24.
Variant type: single nucleotide variant.
Coding change: c.1868T>C on transcript NM_000096.4 (MANE Select); coding-DNA position 1868, T replaced by C.
Protein change: p.Met623Thr; replaces methionine 623 with threonine.
Molecular consequence: missense variant.
Genome position (GRCh38, 1-based): chr3:149,186,729, A>G on the plus strand (T>C on the coding strand, the complement: CP is on the minus strand). VCF-style: chr3-149186729-A-G. GRCh37 (hg19) VCF-style: chr3-148904516-A-G.
Other names: short protein forms M623T.
Identifiers: ClinVar variation 1507669 (VCV001507669.6), dbSNP rs1328458846, ClinGen allele CA354932713.

ClinVar aggregate classification (germline): Uncertain significance (1 of 4 stars; one submission).

Conditions:
Deficiency of ferroxidase (ACEP). Also called: Aceruloplasminemia; Deficiency of ceruloplasmin; NEURODEGENERATION WITH BRAIN IRON ACCUMULATION 10; Ceruloplasmin deficiency; Familial apoceruloplasmin deficiency; Hereditary ceruloplasmin deficiency. Identifiers: Orphanet 48818, MedGen C0878682, MONDO:0011426, OMIM 604290, HP:0025498.

Allele frequency attached by ClinVar (database versions not stated): TOPMed below 0.00001; gnomAD 0.00001.
gnomAD v4.1: 1 of 1,613,664 alleles (0.000062%); highest among the groups gnomAD compares: Non-Finnish European, 0.000085%; no homozygotes.

Submission:

Labcorp Genetics (formerly Invitae), Labcorp
Classification: Uncertain significance for Deficiency of ferroxidase. Last evaluated: 2021-10-19. Review status: criteria provided, single submitter. Criteria: Invitae Variant Classification Sherloc (09022015). Collection method: clinical testing. Allele origin: germline.
Comment: Advanced modeling of protein sequence and biophysical properties (such as structural, functional, and spatial information, amino acid conservation, physicochemical variation, residue mobility, and thermodynamic stability) performed at Invitae indicates that this missense variant is expected to disrupt CP protein function. In summary, the available evidence is currently insufficient to determine the role of this variant in disease. Therefore, it has been classified as a Variant of Uncertain Significance. This variant has not been reported in the literature in individuals affected with CP-related conditions. This variant is not present in population databases (ExAC no frequency). This sequence change replaces methionine with threonine at codon 623 of the CP protein (p.Met623Thr). The methionine residue is moderately conserved and there is a moderate physicochemical difference between methionine and threonine.